The following is an entry in ClinVar:

NM_004766.3(COPB2):c.2485-30_2485-21del

Gene: COPB2 (coat protein complex I subunit beta 2; minus strand). Cytogenetic location: 3q23.
Variant type: Deletion.
Coding change: c.2485-30_2485-21del on transcript NM_004766.3 (MANE Select); 30 bases into the intron before coding-DNA position 2485 through 21 bases into the intron before coding-DNA position 2485, 10 bases deleted (TCATTTCATC; older notation c.2485-30_2485-21delTCATTTCATC).
Molecular consequence: intron variant.
Genome position (GRCh38, 1-based): chr3:139,358,833-139,358,842, GATGAAATGA deleted on the plus strand (TCATTTCATC on the coding strand, the reverse complement: COPB2 is on the minus strand); deleting any 10 consecutive bases within chr3:139,358,833-139,358,845 gives the same sequence; the c. name uses the placement nearest the transcript's 3' end. VCF-style (leftmost placement, unchanged base first): chr3-139358832-TGATGAAATGA-T. GRCh37 (hg19) VCF-style: chr3-139077674-TGATGAAATGA-T.
Other names: c.2398-30_2398-21del (NM_001410834.1).
Identifiers: ClinVar variation 3341508 (VCV003341508.16).

ClinVar aggregate classification (germline): Likely benign (1 of 4 stars; one submission).

Submission:

CeGaT Center for Human Genetics Tuebingen
Classification: Likely benign. Last evaluated: 2026-07-01. Review status: criteria provided, single submitter. Criteria: CeGaT Center For Human Genetics Tuebingen Variant Classification Criteria Version 2. Collection method: clinical testing. Allele origin: germline. Affected: yes. Observed: 14 variant alleles.
Comment: COPB2: BS2